The following is an entry in ClinVar:

NM_000548.5(TSC2):c.284T>C (p.Leu95Pro)

Gene: TSC2 (TSC complex subunit 2; plus strand). Cytogenetic location: 16p13.3.
Variant type: single nucleotide variant.
Coding change: c.284T>C on transcript NM_000548.5 (MANE Select); coding-DNA position 284, T replaced by C.
Protein change: p.Leu95Pro; replaces leucine 95 with proline.
Molecular consequence: missense variant. On other transcripts: intron variant (2).
Genome position (GRCh38, 1-based): chr16:2,053,400, T>C. VCF-style: chr16-2053400-T-C. GRCh37 (hg19) VCF-style: chr16-2103401-T-C.
Other names: c.284T>C, p.Leu95Pro (NM_001077183.3, NM_001114382.3, NM_001363528.2 and 3 more transcripts); c.137T>C, p.Leu46Pro (NM_001318829.2); c.317T>C, p.Leu106Pro (NM_001318832.2); c.226-896T>C (NM_001318827.2); c.-1-2796T>C (NM_001318831.2); short protein forms L46P, L95P, L106P.
Identifiers: ClinVar variation 1523409 (VCV001523409.9), dbSNP rs2085369170, ClinGen allele CA394305745.
Genomic context (GRCh38, chr16:2,053,400, plus strand): 5'-AGCACGCAGTGGAAGCACTCTGGAAGGCGGTCGCGGATCTGTTGCAGCCGGAGCGGCCGC[T>C]GGAGGCCCGGCACGCGGTGCTGGCTCTGCTGAAGGCCATCGTGCAGGGGCAGGTAAGGCC-3'
Protein context (NP_000539.2, residues 85-105): VADLLQPERP[Leu95Pro]EARHAVLALL

ClinVar aggregate classification (germline): Uncertain significance. Review status: criteria provided, multiple submitters, no conflicts (2 of 4 stars). 2 submissions from 2 submitters: Uncertain significance (2). Last evaluated 2024-02-22.

Conditions:
Tuberous sclerosis syndrome (TSC). Also called: Tuberous Sclerosis Complex; Tuberous sclerosis. Identifiers: Orphanet 805, MedGen C0041341, MONDO:0001734.
Tuberous sclerosis 2 (TSC2). Identifiers: Orphanet 805, MedGen C1860707, MONDO:0013199, OMIM 613254.

Submissions (2):

All of Us Research Program, National Institutes of Health
Classification: Uncertain significance for Tuberous sclerosis syndrome. Last evaluated: 2024-02-22. Review status: criteria provided, single submitter. Criteria: ACMG Guidelines, 2015. Collection method: clinical testing. Allele origin: germline. Inheritance: Autosomal dominant inheritance. Observed: 1 variant allele, 1 heterozygote.
Comment: This missense variant replaces leucine with proline at codon 95 of the TSC2 protein. Computational prediction suggests that this variant may not impact protein structure and function (internally defined REVEL score threshold <= 0.5, PMID: 27666373). To our knowledge, functional studies have not been reported for this variant. This variant has not been reported in individuals affected with TSC2-related disorders in the literature. This variant has not been identified in the general population by the Genome Aggregation Database (gnomAD). The available evidence is insufficient to determine the role of this variant in disease conclusively. Therefore, this variant is classified as a Variant of Uncertain Significance.

This study involves interpretation of variants in research participants for the purpose of population health screening. Participant phenotype was not available at the time of variant classification. Additional details can be found in publication PMID: 35346344, PMCID: PMC8962531

Labcorp Genetics (formerly Invitae), Labcorp
Classification: Uncertain significance for Tuberous sclerosis 2. Last evaluated: 2021-04-05. Review status: criteria provided, single submitter. Criteria: Invitae Variant Classification Sherloc (09022015). Collection method: clinical testing. Allele origin: germline.
Comment: In summary, the available evidence is currently insufficient to determine the role of this variant in disease. Therefore, it has been classified as a Variant of Uncertain Significance. Advanced modeling of protein sequence and biophysical properties (such as structural, functional, and spatial information, amino acid conservation, physicochemical variation, residue mobility, and thermodynamic stability) performed at Invitae indicates that this missense variant is not expected to disrupt TSC2 protein function. This variant has not been reported in the literature in individuals with TSC2-related conditions. This variant is not present in population databases (ExAC no frequency). This sequence change replaces leucine with proline at codon 95 of the TSC2 protein (p.Leu95Pro). The leucine residue is weakly conserved and there is a moderate physicochemical difference between leucine and proline.